The following is an entry in ClinVar:

NM_175875.5(SIX5):c.218C>T (p.Pro73Leu)

Genes: DM1-AS (DM1 locus antisense RNA; plus strand), SIX5 (SIX homeobox 5; minus strand), LOC107075317 (origin of replication in DMPK trinucleotide repeat region; plus strand), LOC129929037 (ATAC-STARR-seq lymphoblastoid silent region 10794; plus strand). Cytogenetic location: 19q13.32.
Variant type: single nucleotide variant.
Coding change: c.218C>T on transcript NM_175875.5 (MANE Select); coding-DNA position 218, C replaced by T.
Protein change: p.Pro73Leu; replaces proline 73 with leucine.
Molecular consequence: missense variant.
Genome position (GRCh38, 1-based): chr19:45,768,627, G>A on the plus strand (C>T on the coding strand, the complement: SIX5 is on the minus strand). VCF-style: chr19-45768627-G-A. GRCh37 (hg19) VCF-style: chr19-46271885-G-A.
Other names: short protein forms P73L.
Identifiers: ClinVar variation 2778062 (VCV002778062.3), dbSNP rs998707265, ClinGen allele CA309001749.

ClinVar aggregate classification (germline): Uncertain significance (1 of 4 stars; one submission).

Allele frequency attached by ClinVar (database versions not stated): gnomAD exomes 0.00001; gnomAD 0.00002; TOPMed 0.00003.

Submission:

Labcorp Genetics (formerly Invitae), Labcorp
Classification: Uncertain significance. Last evaluated: 2022-11-12. Review status: criteria provided, single submitter. Criteria: Invitae Variant Classification Sherloc (09022015). Collection method: clinical testing. Allele origin: germline.
Comment: This sequence change replaces proline, which is neutral and non-polar, with leucine, which is neutral and non-polar, at codon 73 of the SIX5 protein (p.Pro73Leu). This variant is not present in population databases (gnomAD no frequency). This variant has not been reported in the literature in individuals affected with SIX5-related conditions. Advanced modeling of protein sequence and biophysical properties (such as structural, functional, and spatial information, amino acid conservation, physicochemical variation, residue mobility, and thermodynamic stability) performed at Invitae indicates that this missense variant is not expected to disrupt SIX5 protein function. In summary, the available evidence is currently insufficient to determine the role of this variant in disease. Therefore, it has been classified as a Variant of Uncertain Significance.